The following is an entry in ClinVar:

ClinVar aggregate classification (germline): Uncertain significance. Review status: criteria provided, multiple submitters, no conflicts (2 of 4 stars). 2 submissions from 2 submitters: Uncertain significance (2). Last evaluated 2025-02-25.

Conditions:
Hereditary cancer-predisposing syndrome. Also called: Neoplastic Syndromes, Hereditary; Tumor predisposition; Hereditary Cancer Syndrome; Hereditary neoplastic syndrome. Identifiers: Orphanet 140162, MedGen C0027672, MeSH D009386, MONDO:0015356.
Cardiovascular phenotype. Identifiers: MedGen CN230736.

Allele frequency attached by ClinVar (database versions not stated): gnomAD exomes 0.00001.
gnomAD v4.1: 3 of 1,613,144 alleles (0.00019%); highest among the groups gnomAD compares: Non-Finnish European, 0.00025%; no homozygotes.

Submissions (2):

Ambry Genetics
Classification: Uncertain significance for Cardiovascular phenotype; Hereditary cancer-predisposing syndrome. Last evaluated: 2025-02-25. Review status: criteria provided, single submitter. Criteria: Ambry Variant Classification Scheme 2023. Collection method: clinical testing. Allele origin: germline.
Comment: The p.Y729C variant (also known as c.2186A>G), located in coding exon 18 of the LZTR1 gene, results from an A to G substitution at nucleotide position 2186. The tyrosine at codon 729 is replaced by cysteine, an amino acid with highly dissimilar properties. This amino acid position is highly conserved in available vertebrate species. In addition, this alteration is predicted to be deleterious by in silico analysis. Based on the available evidence, the clinical significance of this variant remains unclear.

Labcorp Genetics (formerly Invitae), Labcorp
Classification: Uncertain significance. Last evaluated: 2022-06-12. Review status: criteria provided, single submitter. Criteria: Invitae Variant Classification Sherloc (09022015). Collection method: clinical testing. Allele origin: germline.
Comment: In summary, the available evidence is currently insufficient to determine the role of this variant in disease. Therefore, it has been classified as a Variant of Uncertain Significance. Algorithms developed to predict the effect of missense changes on protein structure and function are either unavailable or do not agree on the potential impact of this missense change (SIFT: "Deleterious"; PolyPhen-2: "Benign"; Align-GVGD: "Class C65"). This variant has not been reported in the literature in individuals affected with LZTR1-related conditions. This variant is not present in population databases (gnomAD no frequency). This sequence change replaces tyrosine, which is neutral and polar, with cysteine, which is neutral and slightly polar, at codon 729 of the LZTR1 protein (p.Tyr729Cys).

NM_006767.4(LZTR1):c.2186A>G (p.Tyr729Cys)

Gene: LZTR1 (leucine zipper like post translational regulator 1; plus strand). Cytogenetic location: 22q11.21.
Variant type: single nucleotide variant.
Coding change: c.2186A>G on transcript NM_006767.4 (MANE Select); coding-DNA position 2186, A replaced by G.
Protein change: p.Tyr729Cys; replaces tyrosine 729 with cysteine.
Molecular consequence: missense variant.
Genome position (GRCh38, 1-based): chr22:20,996,079, A>G. VCF-style: chr22-20996079-A-G. GRCh37 (hg19) VCF-style: chr22-21350368-A-G.
Other names: short protein forms Y729C.
Identifiers: ClinVar variation 1787333 (VCV001787333.9), dbSNP rs2518624677, ClinGen allele CA410779986.
Genomic context (GRCh38, chr22:20,996,079, plus strand): 5'-CCATCGGGGAGATGGTGCCCAGCAGGCAGGCCTTCGAGTCCATGCTGCGCTACATCTACT[A>G]CGGCGAGGTCAACATGCCGCCCGAGGACTCGCTGCATCCTCACTCCCCAGTGAACTCCCA-3'
Protein context (NP_006758.2, residues 719-739): AFESMLRYIY[Tyr729Cys]GEVNMPPEDS